The following is an entry in ClinVar:

ClinVar aggregate classification (germline): Uncertain significance. Review status: criteria provided, multiple submitters, no conflicts (2 of 4 stars). 2 submissions from 2 submitters: Uncertain significance (2). Last evaluated 2024-11-05.

Conditions:
Cardiovascular phenotype. Identifiers: MedGen CN230736.
Brugada syndrome. Also called: Sudden unexpected nocturnal death syndrome; Sudden unexplained nocturnal death syndrome; Sudden Unexplained Death Syndrome; Sudden Unexplained Nocturnal Death Syndrome (SUNDS). Identifiers: Orphanet 130, MedGen C1142166, MONDO:0015263.

Allele frequency attached by ClinVar (database versions not stated): gnomAD exomes 0.00004; gnomAD 0.00005; ExAC 0.00006; TOPMed 0.00007; ESP Exome Variant Server 0.00008.
gnomAD v4.1: 35 of 1,612,206 alleles (0.0022%); highest among the groups gnomAD compares: Admixed American, 0.01%; no homozygotes.

Submissions (2):

Labcorp Genetics (formerly Invitae), Labcorp
Classification: Uncertain significance for Brugada syndrome. Last evaluated: 2024-11-05. Review status: criteria provided, single submitter. Criteria: Invitae Variant Classification Sherloc (09022015). Collection method: clinical testing. Allele origin: germline.
Comment: This sequence change replaces threonine, which is neutral and polar, with methionine, which is neutral and non-polar, at codon 954 of the CACNA2D1 protein (p.Thr954Met). This variant is present in population databases (rs111888027, gnomAD 0.01%). This variant has not been reported in the literature in individuals affected with CACNA2D1-related conditions. ClinVar contains an entry for this variant (Variation ID: 953190). An algorithm developed to predict the effect of missense changes on protein structure and function (PolyPhen-2) suggests that this variant is likely to be disruptive. In summary, the available evidence is currently insufficient to determine the role of this variant in disease. Therefore, it has been classified as a Variant of Uncertain Significance.

Ambry Genetics
Classification: Uncertain significance for Cardiovascular phenotype. Last evaluated: 2024-07-07. Review status: criteria provided, single submitter. Criteria: Ambry Variant Classification Scheme 2023. Collection method: clinical testing. Allele origin: germline.
Comment: The p.T954M variant (also known as c.2861C>T), located in coding exon 36 of the CACNA2D1 gene, results from a C to T substitution at nucleotide position 2861. The threonine at codon 954 is replaced by methionine, an amino acid with similar properties. This amino acid position is not well conserved in available vertebrate species. In addition, this alteration is predicted to be tolerated by in silico analysis. Since supporting evidence is limited at this time, the clinical significance of this alteration remains unclear.

NM_000722.4(CACNA2D1):c.2861C>T (p.Thr954Met)

Gene: CACNA2D1 (calcium voltage-gated channel auxiliary subunit alpha2delta 1; minus strand). Cytogenetic location: 7q21.11.
Variant type: single nucleotide variant.
Coding change: c.2861C>T on transcript NM_000722.4 (MANE Select); coding-DNA position 2861, C replaced by T.
Protein change: p.Thr954Met; replaces threonine 954 with methionine.
Molecular consequence: missense variant.
Genome position (GRCh38, 1-based): chr7:81,961,999, G>A on the plus strand (C>T on the coding strand, the complement: CACNA2D1 is on the minus strand). VCF-style: chr7-81961999-G-A. GRCh37 (hg19) VCF-style: chr7-81591315-G-A.
Other names: c.2897C>T, p.Thr966Met (NM_001366867.1); short protein forms T954M, T966M.
Identifiers: ClinVar variation 953190 (VCV000953190.10), dbSNP rs111888027, ClinGen allele CA4317454.